The following is an entry in ClinVar:

ClinVar aggregate classification (germline): Benign/Likely benign. Review status: criteria provided, multiple submitters, no conflicts (2 of 4 stars). 8 submissions from 8 submitters: Benign (2); Likely benign (6). Last evaluated 2026-01-20.

Conditions:
Classic or attenuated familial adenomatous polyposis. Identifiers: MedGen CN372698, MONDO:0021057.
APC-related disorder. Also called: APC-related condition.
Hereditary cancer-predisposing syndrome. Also called: Neoplastic Syndromes, Hereditary; Tumor predisposition; Hereditary Cancer Syndrome; Hereditary neoplastic syndrome. Identifiers: Orphanet 140162, MedGen C0027672, MeSH D009386, MONDO:0015356.
Familial adenomatous polyposis 1 (FAP1). Also called: FAMILIAL ADENOMATOUS POLYPOSIS 1, ATTENUATED; POLYPOSIS, ADENOMATOUS INTESTINAL. Identifiers: MedGen C2713442, MONDO:0021056, OMIM 175100. Disease mechanism: loss of function.

Allele frequency attached by ClinVar (database versions not stated): ExAC 0.00001; gnomAD exomes 0.00001; gnomAD 0.00003; TOPMed 0.00003; ESP Exome Variant Server 0.00008.
gnomAD v4.1: 15 of 1,613,744 alleles (0.00093%); highest among the groups gnomAD compares: African/African-American, 0.004%; no homozygotes.

Submissions (8):

Labcorp Genetics (formerly Invitae), Labcorp
Classification: Likely benign for Familial adenomatous polyposis 1. Last evaluated: 2026-01-20. Review status: criteria provided, single submitter. Criteria: Invitae Variant Classification Sherloc (09022015). Collection method: clinical testing. Allele origin: germline.

PreventionGenetics, part of Exact Sciences
Classification: Likely benign for APC-related condition. Last evaluated: 2025-10-26. Review status: criteria provided, single submitter. Criteria: ACMG Guidelines, 2015. Collection method: clinical testing. Allele origin: germline.
Comment: This variant is classified as likely benign based on ACMG/AMP sequence variant interpretation guidelines (Richards et al. 2015 PMID: 25741868, with internal and published modifications).

Quest Diagnostics Nichols Institute San Juan Capistrano
Classification: Benign. Last evaluated: 2025-05-07. Review status: criteria provided, single submitter. Criteria: Quest Diagnostics criteria. Collection method: clinical testing. Allele origin: unknown.

Myriad Genetics, Inc.
Classification: Benign for Familial adenomatous polyposis 1. Last evaluated: 2024-03-07. Review status: criteria provided, single submitter. Criteria: Myriad Autosomal Dominant, Autosomal Recessive and X-Linked Classification Criteria (2023). Collection method: clinical testing. Allele origin: unknown.
Comment: This variant is considered benign. This variant is a silent/synonymous amino acid change and it is not expected to impact splicing.

All of Us Research Program, National Institutes of Health
Classification: Likely benign for Classic or attenuated familial adenomatous polyposis. Last evaluated: 2023-10-02. Review status: criteria provided, single submitter. Criteria: ACMG Guidelines, 2015. Collection method: clinical testing. Allele origin: germline. Inheritance: Autosomal dominant inheritance. Observed: 6 variant alleles, 6 heterozygotes.
Comment: This study involves interpretation of variants in research participants for the purpose of population health screening. Participant phenotype was not available at the time of variant classification. Additional details can be found in publication PMID: 35346344, PMCID: PMC8962531

Color Diagnostics, LLC DBA Color Health
Classification: Likely benign for Hereditary cancer-predisposing syndrome. Last evaluated: 2019-06-25. Review status: criteria provided, single submitter. Criteria: ACMG Guidelines, 2015. Collection method: clinical testing. Allele origin: germline.

GeneDx
Classification: Likely benign. Last evaluated: 2018-12-11. Review status: criteria provided, single submitter. Criteria: GeneDx Variant Classification Process June 2021. Collection method: clinical testing. Allele origin: germline. Affected: yes.
Comment: This variant is associated with the following publications: (PMID: 22810696)

Ambry Genetics
Classification: Likely benign for Hereditary cancer-predisposing syndrome. Last evaluated: 2016-10-11. Review status: criteria provided, single submitter. Criteria: Ambry Variant Classification Scheme 2023. Collection method: clinical testing. Allele origin: germline.

NM_000038.6(APC):c.1761C>T (p.Ser587=)

Gene: APC (APC regulator of Wnt signaling pathway; plus strand). Cytogenetic location: 5q22.2.
Variant type: single nucleotide variant.
Coding change: c.1761C>T on transcript NM_000038.6 (MANE Select); coding-DNA position 1761, C replaced by T.
Protein change: p.Ser587=; no amino-acid change (serine 587 retained).
Molecular consequence: synonymous variant.
Genome position (GRCh38, 1-based): chr5:112,834,968, C>T. VCF-style: chr5-112834968-C-T. GRCh37 (hg19) VCF-style: chr5-112170665-C-T.
Other names: c.1761C>T, p.Ser587= (NM_001127510.3, NM_001354895.2); c.1707C>T, p.Ser569= (NM_001127511.3); c.1815C>T, p.Ser605= (NM_001354896.2); c.1791C>T, p.Ser597= (NM_001354897.2); c.1686C>T, p.Ser562= (NM_001354898.2); c.1677C>T, p.Ser559= (NM_001354899.2); c.1638C>T, p.Ser546= (NM_001354900.2); c.1584C>T, p.Ser528= (NM_001354901.2); and 5 more.
Identifiers: ClinVar variation 381116 (VCV000381116.36), dbSNP rs370783137, ClinGen allele CA029495.